The following is an entry in ClinVar:

ClinVar aggregate classification (germline): Uncertain significance (1 of 4 stars; one submission).

Conditions:
Pontocerebellar hypoplasia type 9. Identifiers: Orphanet 369920, MedGen C4014354, MONDO:0014351, OMIM 615809.
Hereditary spastic paraplegia 63. Also called: Spastic paraplegia 63, autosomal recessive. Identifiers: Orphanet 401805, MedGen C3810295, MONDO:0014305, OMIM 615686.

Submission:

Labcorp Genetics (formerly Invitae), Labcorp
Classification: Uncertain significance for Pontocerebellar hypoplasia type 9; Hereditary spastic paraplegia 63. Last evaluated: 2022-03-23. Review status: criteria provided, single submitter. Criteria: Invitae Variant Classification Sherloc (09022015). Collection method: clinical testing. Allele origin: germline.
Comment: In summary, the available evidence is currently insufficient to determine the role of this variant in disease. Therefore, it has been classified as a Variant of Uncertain Significance. Experimental studies and prediction algorithms are not available or were not evaluated, and the functional significance of this variant is currently unknown. This variant has not been reported in the literature in individuals affected with AMPD2-related conditions. A copy number gain of the genomic region encompassing the full coding sequence of the AMPD2 gene has been identified. The boundaries of this event are unknown as they extend beyond the assayed region for this gene and therefore may encompass additional genes. As the precise location of this event is unknown, it may be in tandem or it may be located elsewhere in the genome.

NC_000001.10:g.(?_110145976)_(110173774_?)dup

Genes: AMPD2 (adenosine monophosphate deaminase 2; plus strand), GNAT2 (G protein subunit alpha transducin 2; minus strand). Cytogenetic location: 1p13.3.
Variant type: Duplication.
Identifiers: ClinVar variation 1410375 (VCV001410375.5).